The following is an entry in ClinVar:

ClinVar aggregate classification (germline): Uncertain significance (1 of 4 stars; one submission).

gnomAD v4.1: 1 of 1,601,444 alleles (0.000062%); highest among the groups gnomAD compares: South Asian, 0.0011%; no homozygotes.

Submission:

Labcorp Genetics (formerly Invitae), Labcorp
Classification: Uncertain significance. Last evaluated: 2021-11-04. Review status: criteria provided, single submitter. Criteria: Invitae Variant Classification Sherloc (09022015). Collection method: clinical testing. Allele origin: germline.
Comment: This sequence change replaces proline, which is neutral and non-polar, with threonine, which is neutral and polar, at codon 3336 of the CDH23 protein (p.Pro3336Thr). This variant is present in population databases (no rsID available, gnomAD 0.003%). This variant has not been reported in the literature in individuals affected with CDH23-related conditions. Algorithms developed to predict the effect of missense changes on protein structure and function are either unavailable or do not agree on the potential impact of this missense change (SIFT: "Deleterious"; PolyPhen-2: "Not Available"; Align-GVGD: "Class C0"). In summary, the available evidence is currently insufficient to determine the role of this variant in disease. Therefore, it has been classified as a Variant of Uncertain Significance.

NM_022124.6(CDH23):c.10006C>A (p.Pro3336Thr)

Gene: CDH23 (cadherin related 23; plus strand). Cytogenetic location: 10q22.1.
Variant type: single nucleotide variant.
Coding change: c.10006C>A on transcript NM_022124.6 (MANE Select); coding-DNA position 10006, C replaced by A.
Protein change: p.Pro3336Thr; replaces proline 3336 with threonine.
Molecular consequence: missense variant.
Genome position (GRCh38, 1-based): chr10:71,815,219, C>A. VCF-style: chr10-71815219-C-A. GRCh37 (hg19) VCF-style: chr10-73574976-C-A.
Other names: c.3286C>A, p.Pro1096Thr (NM_001171933.1); c.3181C>A, p.Pro1061Thr (NM_001171934.1); c.697C>A, p.Pro233Thr (NM_001171935.1); c.592C>A, p.Pro198Thr (NM_001171936.1); short protein forms P1061T, P1096T, P198T, P3336T, P233T.
Identifiers: ClinVar variation 1433217 (VCV001433217.3), dbSNP rs1449615366, ClinGen allele CA377139033.